The following is an entry in ClinVar:

NM_033100.4(CDHR1):c.2095A>C (p.Met699Leu)

Gene: CDHR1 (cadherin related family member 1; plus strand). Cytogenetic location: 10q23.1.
Variant type: single nucleotide variant.
Coding change: c.2095A>C on transcript NM_033100.4 (MANE Select); coding-DNA position 2095, A replaced by C.
Protein change: p.Met699Leu; replaces methionine 699 with leucine.
Molecular consequence: missense variant. On other transcripts: intron variant (1).
Genome position (GRCh38, 1-based): chr10:84,214,136, A>C. VCF-style: chr10-84214136-A-C. GRCh37 (hg19) VCF-style: chr10-85973892-A-C.
Other names: c.2040+788A>C (NM_001171971.3); c.2095A>C (NM_033100.2); short protein forms M699L.
Identifiers: ClinVar variation 1499061 (VCV001499061.7), dbSNP rs1189850562, ClinGen allele CA377379174.
Genomic context (GRCh38, chr10:84,214,136, plus strand): 5'-TTTCAGACCCTCTCCCGGAGCCCCATGGCTGCCTTCCTGATACAGACCAAGGACAACCCC[A>C]TGAAGGCCGTGGGTGTGCTGGCCGGCACCATGGCCACCGTCGTGGCCATCACTGTCCTCA-3'
Protein context (NP_149091.1, residues 689-709): AFLIQTKDNP[Met699Leu]KAVGVLAGTM

ClinVar aggregate classification (germline): Uncertain significance. Review status: criteria provided, multiple submitters, no conflicts (2 of 4 stars). 2 submissions from 2 submitters: Uncertain significance (2). Last evaluated 2025-08-06.

Conditions:
Inborn genetic diseases. Identifiers: MedGen C0950123, MeSH D030342.

Allele frequency attached by ClinVar (database versions not stated): gnomAD exomes below 0.00001; TOPMed below 0.00001.
gnomAD v4.1: 16 of 1,614,140 alleles (0.00099%); highest among the groups gnomAD compares: Non-Finnish European, 0.0014%; no homozygotes.

Submissions (2):

Ambry Genetics
Classification: Uncertain significance for Inborn genetic diseases. Last evaluated: 2025-08-06. Review status: criteria provided, single submitter. Criteria: Ambry Variant Classification Scheme 2023. Collection method: clinical testing. Allele origin: germline.

Labcorp Genetics (formerly Invitae), Labcorp
Classification: Uncertain significance. Last evaluated: 2022-12-06. Review status: criteria provided, single submitter. Criteria: Invitae Variant Classification Sherloc (09022015). Collection method: clinical testing. Allele origin: germline.
Comment: Advanced modeling of protein sequence and biophysical properties (such as structural, functional, and spatial information, amino acid conservation, physicochemical variation, residue mobility, and thermodynamic stability) performed at Invitae indicates that this missense variant is not expected to disrupt CDHR1 protein function. ClinVar contains an entry for this variant (Variation ID: 1499061). This variant has not been reported in the literature in individuals affected with CDHR1-related conditions. This variant is present in population databases (no rsID available, gnomAD 0.0009%). This sequence change replaces methionine, which is neutral and non-polar, with leucine, which is neutral and non-polar, at codon 699 of the CDHR1 protein (p.Met699Leu). In summary, the available evidence is currently insufficient to determine the role of this variant in disease. Therefore, it has been classified as a Variant of Uncertain Significance.